The following is an entry in ClinVar:

ClinVar aggregate classification (germline): Uncertain significance (1 of 4 stars; one submission).

Conditions:
Inborn genetic diseases. Identifiers: MedGen C0950123, MeSH D030342.

Submission:

Ambry Genetics
Classification: Uncertain significance for Inborn genetic diseases. Last evaluated: 2025-06-02. Review status: criteria provided, single submitter. Criteria: Ambry Variant Classification Scheme 2023. Collection method: clinical testing. Allele origin: germline.
Comment: The p.I10V variant (also known as c.28A>G), located in coding exon 1 of the SBDS gene, results from an A to G substitution at nucleotide position 28. The isoleucine at codon 10 is replaced by valine, an amino acid with highly similar properties. This amino acid position is conserved. In addition, the in silico prediction for this alteration is inconclusive. Based on the available evidence, the clinical significance of this variant remains unclear.

NM_016038.4(SBDS):c.28A>G (p.Ile10Val)

Gene: SBDS (SBDS ribosome maturation factor; minus strand). Cytogenetic location: 7q11.21.
Variant type: single nucleotide variant.
Coding change: c.28A>G on transcript NM_016038.4 (MANE Select); coding-DNA position 28, A replaced by G.
Protein change: p.Ile10Val; replaces isoleucine 10 with valine.
Molecular consequence: missense variant.
Genome position (GRCh38, 1-based): chr7:66,995,390, T>C on the plus strand (A>G on the coding strand, the complement: SBDS is on the minus strand). VCF-style: chr7-66995390-T-C. GRCh37 (hg19) VCF-style: chr7-66460377-T-C.
Other names: short protein forms I10V.
Identifiers: ClinVar variation 3950336 (VCV003950336.1).